The following is an entry in ClinVar:

NM_018129.4(PNPO):c.81T>C (p.Gly27=)

Gene: PNPO (pyridoxamine 5'-phosphate oxidase; plus strand). Cytogenetic location: 17q21.32.
Variant type: single nucleotide variant.
Coding change: c.81T>C on transcript NM_018129.4 (MANE Select); coding-DNA position 81, T replaced by C.
Protein change: p.Gly27=; no amino-acid change (glycine 27 retained).
Molecular consequence: synonymous variant.
Genome position (GRCh38, 1-based): chr17:47,941,756, T>C. VCF-style: chr17-47941756-T-C. GRCh37 (hg19) VCF-style: chr17-46019122-T-C.
Identifiers: ClinVar variation 2752924 (VCV002752924.10), dbSNP rs1412518408, ClinGen allele CA500450262.

ClinVar aggregate classification (germline): Likely benign. Review status: criteria provided, multiple submitters, no conflicts (2 of 4 stars). 2 submissions from 2 submitters: Likely benign (2). Last evaluated 2026-02-01.

Conditions:
Pyridoxal phosphate-responsive seizures (PNPOD). Also called: EPILEPTIC ENCEPHALOPATHY, NEONATAL, PNPO-RELATED; SEIZURES, PYRIDOXINE-RESISTANT, PLP-SENSITIVE; Pyridoxamine 5-Prime-Phosphate Oxidase Deficiency; Pyridoxine-5'-phosphate oxidase deficiency; Pyridoxal 5'-Phosphate (PLP)-Dependent Epilepsy. Identifiers: Orphanet 79096, MedGen C1864723, MONDO:0012407, OMIM 610090. Disease mechanism: loss of function.

Allele frequency attached by ClinVar (database versions not stated): gnomAD exomes below 0.00001; TOPMed below 0.00001.

Submissions (2):

CeGaT Center for Human Genetics Tuebingen
Classification: Likely benign. Last evaluated: 2026-02-01. Review status: criteria provided, single submitter. Criteria: CeGaT Center For Human Genetics Tuebingen Variant Classification Criteria Version 2. Collection method: clinical testing. Allele origin: germline. Affected: yes. Observed: 1 variant allele.
Comment: PNPO: BP4, BP7

Labcorp Genetics (formerly Invitae), Labcorp
Classification: Likely benign for Pyridoxal phosphate-responsive seizures. Last evaluated: 2023-08-22. Review status: criteria provided, single submitter. Criteria: Invitae Variant Classification Sherloc (09022015). Collection method: clinical testing. Allele origin: germline.